The following is an entry in ClinVar:

ClinVar aggregate classification (germline): Uncertain significance. Review status: criteria provided, multiple submitters, no conflicts (2 of 4 stars). 2 submissions from 2 submitters: Uncertain significance (2). Last evaluated 2025-03-14.

Allele frequency attached by ClinVar (database versions not stated): gnomAD 0.00001; gnomAD exomes 0.00001 and 0.00004; ExAC 0.00005.
gnomAD v4.1: 22 of 1,614,032 alleles (0.0014%); highest among the groups gnomAD compares: South Asian, 0.023%; no homozygotes.

Submissions (2):

GeneDx
Classification: Uncertain significance. Last evaluated: 2025-03-14. Review status: criteria provided, single submitter. Criteria: GeneDx Variant Classification Process June 2021. Collection method: clinical testing. Allele origin: germline. Affected: yes.
Comment: In silico analysis indicates that this missense variant does not alter protein structure/function; Has not been previously published as pathogenic or benign to our knowledge

Labcorp Genetics (formerly Invitae), Labcorp
Classification: Uncertain significance. Last evaluated: 2022-09-29. Review status: criteria provided, single submitter. Criteria: Invitae Variant Classification Sherloc (09022015). Collection method: clinical testing. Allele origin: germline.
Comment: This sequence change replaces serine, which is neutral and polar, with threonine, which is neutral and polar, at codon 1280 of the DNAH9 protein (p.Ser1280Thr). In summary, the available evidence is currently insufficient to determine the role of this variant in disease. Therefore, it has been classified as a Variant of Uncertain Significance. Advanced modeling of protein sequence and biophysical properties (such as structural, functional, and spatial information, amino acid conservation, physicochemical variation, residue mobility, and thermodynamic stability) performed at Invitae indicates that this missense variant is not expected to disrupt DNAH9 protein function. ClinVar contains an entry for this variant (Variation ID: 1357573). This variant has not been reported in the literature in individuals affected with DNAH9-related conditions. This variant is present in population databases (rs777420811, gnomAD 0.04%).

NM_001372.4(DNAH9):c.3839G>C (p.Ser1280Thr)

Gene: DNAH9 (dynein axonemal heavy chain 9; plus strand). Cytogenetic location: 17p12.
Variant type: single nucleotide variant.
Coding change: c.3839G>C on transcript NM_001372.4 (MANE Select); coding-DNA position 3839, G replaced by C.
Protein change: p.Ser1280Thr; replaces serine 1280 with threonine.
Molecular consequence: missense variant.
Genome position (GRCh38, 1-based): chr17:11,689,661, G>C. VCF-style: chr17-11689661-G-C. GRCh37 (hg19) VCF-style: chr17-11592978-G-C.
Other names: c.3839G>C (NM_001372.3); short protein forms S1280T.
Identifiers: ClinVar variation 1357573 (VCV001357573.9), dbSNP rs777420811, ClinGen allele CA8395557.